The following is an entry in ClinVar:

ClinVar aggregate classification (germline): Uncertain significance (1 of 4 stars; one submission).

Submission:

Labcorp Genetics (formerly Invitae), Labcorp
Classification: Uncertain significance. Last evaluated: 2024-06-13. Review status: criteria provided, single submitter. Criteria: Invitae Variant Classification Sherloc (09022015). Collection method: clinical testing. Allele origin: germline.
Comment: This sequence change replaces valine, which is neutral and non-polar, with alanine, which is neutral and non-polar, at codon 700 of the IARS2 protein (p.Val700Ala). This variant is not present in population databases (gnomAD no frequency). This variant has not been reported in the literature in individuals affected with IARS2-related conditions. An algorithm developed to predict the effect of missense changes on protein structure and function (PolyPhen-2) suggests that this variant is likely to be tolerated. In summary, the available evidence is currently insufficient to determine the role of this variant in disease. Therefore, it has been classified as a Variant of Uncertain Significance.

NM_018060.4(IARS2):c.2099T>C (p.Val700Ala)

Gene: IARS2 (isoleucyl-tRNA synthetase 2, mitochondrial; plus strand). Cytogenetic location: 1q41.
Variant type: single nucleotide variant.
Coding change: c.2099T>C on transcript NM_018060.4 (MANE Select); coding-DNA position 2099, T replaced by C.
Protein change: p.Val700Ala; replaces valine 700 with alanine.
Molecular consequence: missense variant.
Genome position (GRCh38, 1-based): chr1:220,137,967, T>C. VCF-style: chr1-220137967-T-C. GRCh37 (hg19) VCF-style: chr1-220311309-T-C.
Other names: short protein forms V700A.
Identifiers: ClinVar variation 3619047 (VCV003619047.2).